The following is an entry in ClinVar:

ClinVar aggregate classification (germline): Uncertain significance (1 of 4 stars; one submission).

Allele frequency attached by ClinVar (database versions not stated): gnomAD exomes 0.00006; ExAC 0.00013; gnomAD 0.00014 and 0.00015; TOPMed 0.00014; ESP Exome Variant Server 0.00016.
gnomAD v4.1: 73 of 1,563,920 alleles (0.0047%); highest among the groups gnomAD compares: African/African-American, 0.067%; no homozygotes.

Submission:

Labcorp Genetics (formerly Invitae), Labcorp
Classification: Uncertain significance. Last evaluated: 2022-11-22. Review status: criteria provided, single submitter. Criteria: Invitae Variant Classification Sherloc (09022015). Collection method: clinical testing. Allele origin: germline.
Comment: In summary, the available evidence is currently insufficient to determine the role of this variant in disease. Therefore, it has been classified as a Variant of Uncertain Significance. Advanced modeling of protein sequence and biophysical properties (such as structural, functional, and spatial information, amino acid conservation, physicochemical variation, residue mobility, and thermodynamic stability) performed at Invitae indicates that this missense variant is not expected to disrupt NKX3-2 protein function. ClinVar contains an entry for this variant (Variation ID: 1495071). This variant has not been reported in the literature in individuals affected with NKX3-2-related conditions. This variant is present in population databases (rs371570785, gnomAD 0.04%). This sequence change replaces phenylalanine, which is neutral and non-polar, with leucine, which is neutral and non-polar, at codon 219 of the NKX3-2 protein (p.Phe219Leu).

NM_001189.4(NKX3-2):c.657C>G (p.Phe219Leu)

Genes: NKX3-2 (NK3 homeobox 2; minus strand), LOC129992265 (ATAC-STARR-seq lymphoblastoid silent region 15286; plus strand). Cytogenetic location: 4p15.33.
Variant type: single nucleotide variant.
Coding change: c.657C>G on transcript NM_001189.4 (MANE Select); coding-DNA position 657, C replaced by G.
Protein change: p.Phe219Leu; replaces phenylalanine 219 with leucine.
Molecular consequence: missense variant.
Genome position (GRCh38, 1-based): chr4:13,542,338, G>C on the plus strand (C>G on the coding strand, the complement: NKX3-2 is on the minus strand). VCF-style: chr4-13542338-G-C. GRCh37 (hg19) VCF-style: chr4-13543962-G-C.
Other names: short protein forms F219L.
Identifiers: ClinVar variation 1495071 (VCV001495071.6), dbSNP rs371570785, ClinGen allele CA2860333.